The following is an entry in ClinVar:

ClinVar aggregate classification (germline): Uncertain significance (1 of 4 stars; one submission).

Conditions:
Tuberous sclerosis 1 (TSC1). Identifiers: Orphanet 805, MedGen C1854465, MONDO:0008612, OMIM 191100.

Allele frequency attached by ClinVar (database versions not stated): gnomAD exomes below 0.00001.
gnomAD v4.1: 2 of 1,614,194 alleles (0.00012%); highest among the groups gnomAD compares: South Asian, 0.0022%; no homozygotes.

Submission:

Labcorp Genetics (formerly Invitae), Labcorp
Classification: Uncertain significance for Tuberous sclerosis 1. Last evaluated: 2023-06-06. Review status: criteria provided, single submitter. Criteria: Invitae Variant Classification Sherloc (09022015). Collection method: clinical testing. Allele origin: germline.
Comment: This sequence change replaces lysine, which is basic and polar, with threonine, which is neutral and polar, at codon 630 of the TSC1 protein (p.Lys630Thr). In summary, the available evidence is currently insufficient to determine the role of this variant in disease. Therefore, it has been classified as a Variant of Uncertain Significance. Advanced modeling of protein sequence and biophysical properties (such as structural, functional, and spatial information, amino acid conservation, physicochemical variation, residue mobility, and thermodynamic stability) performed at Invitae indicates that this missense variant is not expected to disrupt TSC1 protein function. This variant has not been reported in the literature in individuals affected with TSC1-related conditions. This variant is not present in population databases (gnomAD no frequency).

NM_000368.5(TSC1):c.1889A>C (p.Lys630Thr)

Gene: TSC1 (TSC complex subunit 1; minus strand). Cytogenetic location: 9q34.13.
Variant type: single nucleotide variant.
Coding change: c.1889A>C on transcript NM_000368.5 (MANE Select); coding-DNA position 1889, A replaced by C.
Protein change: p.Lys630Thr; replaces lysine 630 with threonine.
Molecular consequence: missense variant. On other transcripts: non-coding transcript variant (5).
Genome position (GRCh38, 1-based): chr9:132,905,689, T>G on the plus strand (A>C on the coding strand, the complement: TSC1 is on the minus strand). VCF-style: chr9-132905689-T-G. GRCh37 (hg19) VCF-style: chr9-135781076-T-G.
Other names: c.1886A>C, p.Lys629Thr (NM_001406604.1, NM_001406608.1, NM_001406609.1 and 6 more transcripts); c.1889A>C, p.Lys630Thr (NM_001406605.1, NM_001406606.1, NM_001406607.1 and 7 more transcripts); c.1736A>C, p.Lys579Thr (NM_001406610.1, NM_001162427.2); c.1733A>C, p.Lys578Thr (NM_001406611.1, NM_001406612.1, NM_001406613.1); c.1526A>C, p.Lys509Thr (NM_001362177.2, NM_001406614.1, NM_001406615.1 and 5 more transcripts); c.1523A>C, p.Lys508Thr (NM_001406620.1, NM_001406621.1, NM_001406622.1 and 2 more transcripts); c.938A>C, p.Lys313Thr (NM_001406626.1); c.935A>C, p.Lys312Thr (NM_001406627.1, NM_001406628.1); and 1 more; short protein forms K312T, K578T, K279T, K313T, K508T, K579T, K629T, K630T.
Identifiers: ClinVar variation 2793698 (VCV002793698.3), dbSNP rs2131815708, ClinGen allele CA375362893.